The following is an entry in ClinVar:

ClinVar aggregate classification (germline): Pathogenic. Review status: criteria provided, multiple submitters, no conflicts (2 of 4 stars). 2 submissions from 2 submitters: Pathogenic (2). Last evaluated 2025-02-23.

Conditions:
Myofibrillar myopathy 5. Also called: Filaminopathy (type); FILAMINOPATHY, AUTOSOMAL DOMINANT. Identifiers: Orphanet 171445, MedGen C1836050, MONDO:0012289, OMIM 609524.
Distal myopathy with posterior leg and anterior hand involvement. Also called: WILLIAMS DISTAL MYOPATHY. Identifiers: Orphanet 63273, MedGen C3279722, MONDO:0013550, OMIM 614065.
Hypertrophic cardiomyopathy 26. Also called: Cardiomyopathy, familial hypertrophic, 26. Identifiers: Orphanet 75249, MedGen C4310749, MONDO:0014883, OMIM 617047.
Primary familial dilated cardiomyopathy (FDC). Also called: Familial dilated cardiomyopathy; Hypokinetic dilated cardiomyopathy, familial. Identifiers: Orphanet 217607, MedGen C0340427, MONDO:0016333.

Submissions (2):

Labcorp Genetics (formerly Invitae), Labcorp
Classification: Pathogenic for Distal myopathy with posterior leg and anterior hand involvement; Myofibrillar myopathy 5; Hypertrophic cardiomyopathy 26. Last evaluated: 2025-02-23. Review status: criteria provided, single submitter. Criteria: Invitae Variant Classification Sherloc (09022015). Collection method: clinical testing. Allele origin: germline.
Comment: This sequence change creates a premature translational stop signal (p.Val2439Aspfs*2) in the FLNC gene. It is expected to result in an absent or disrupted protein product. Loss-of-function variants in FLNC are known to be pathogenic (PMID: 27908349). This variant is not present in population databases (gnomAD no frequency). This variant has not been reported in the literature in individuals affected with FLNC-related conditions. ClinVar contains an entry for this variant (Variation ID: 1710098). For these reasons, this variant has been classified as Pathogenic.

Center for Human Genetics, University of Leuven
Classification: Pathogenic for Primary familial dilated cardiomyopathy. Last evaluated: 2021-12-24. Review status: criteria provided, single submitter. Criteria: ACMG Guidelines, 2015. Collection method: clinical testing. Allele origin: inherited. Affected: yes. Observed: 6 variant alleles.

Literature cited by the submitters: PubMed 27908349 (cited by Labcorp Genetics (formerly Invitae), Labcorp).

NM_001458.5(FLNC):c.7316_7317del (p.Val2439fs)

Genes: FLNC-AS1 (FLNC antisense RNA 1; minus strand), FLNC (filamin C; plus strand). Cytogenetic location: 7q32.1.
Variant type: Deletion.
Coding change: c.7316_7317del on transcript NM_001458.5 (MANE Select); coding-DNA positions 7316 to 7317, 2 bases deleted (TG; older notation c.7316_7317delTG).
Protein change: p.Val2439fs; shifts the reading frame from valine 2439.
Molecular consequence: frameshift variant.
Genome position (GRCh38, 1-based): chr7:128,856,582-128,856,583, TG deleted; deleting any 2 consecutive bases within chr7:128,856,581-128,856,583 gives the same sequence; the c. name uses the placement nearest the transcript's 3' end. VCF-style (leftmost placement, unchanged base first): chr7-128856580-CGT-C. GRCh37 (hg19) VCF-style: chr7-128496634-CGT-C.
Other names: c.7217_7218del, p.Val2406fs (NM_001127487.2); short protein forms V2406fs, V2439fs.
Identifiers: ClinVar variation 1710098 (VCV001710098.2), dbSNP rs2536669631, ClinGen allele CA2580076575.
Genomic context (GRCh38, chr7:128,856,580, plus strand): 5'-GACGGGGCTCAAGGTGAACCAGCCAGCGTCCTTTGCCGTGCAGCTGAACGGTGCCCGGGG[CGT>C]GATTGATGCCCGGGTGCACACACCCTCGGGGGCTGTGGAGGAGTGCTACGTCTCTGAGCT-3'